The following is an entry in ClinVar:

NM_003611.3(OFD1):c.1100G>A (p.Arg367Gln)

Gene: OFD1 (OFD1 centriole and centriolar satellite protein; plus strand). Cytogenetic location: Xp22.2.
Variant type: single nucleotide variant.
Coding change: c.1100G>A on transcript NM_003611.3 (MANE Select); coding-DNA position 1100, G replaced by A.
Protein change: p.Arg367Gln; replaces arginine 367 with glutamine.
Molecular consequence: missense variant.
Genome position (GRCh38, 1-based): chrX:13,753,412, G>A. VCF-style: chrX-13753412-G-A. GRCh37 (hg19) VCF-style: chrX-13771531-G-A.
Other names: c.980G>A, p.Arg327Gln (NM_001330209.2); c.680G>A, p.Arg227Gln (NM_001330210.2); short protein forms R367Q, R327Q, R227Q.
Identifiers: ClinVar variation 41057 (VCV000041057.12), dbSNP rs312262864, ClinGen allele CA343948.
Genomic context (GRCh38, chrX:13,753,412, plus strand): 5'-TCATTCTGATTCTCAGGTATCAACTTGAACTGAAGGATGACTACATCATTAGAACTAATC[G>A]ACTGATTGAAGATGAAAGGAAGAATAAAGGTGATGTTTGGGGGGAAAATAAGCTGTATTT-3'
Protein context (NP_003602.1, residues 357-377): LKDDYIIRTN[Arg367Gln]LIEDERKNKE

ClinVar aggregate classification (germline): Uncertain significance. Review status: criteria provided, multiple submitters, no conflicts (2 of 4 stars). 4 submissions from 4 submitters: Uncertain significance (4). Last evaluated 2024-01-24.

Conditions:
Orofaciodigital syndrome I (OFD1). Also called: Papillon-Leage and Psaume Syndrome; Oral-Facial-Digital Syndrome Type I; OFDS I. Identifiers: Orphanet 2750, MedGen C1510460, MONDO:0010702, OMIM 311200.
Joubert syndrome 10 (JBTS10). Identifiers: Orphanet 2754, MedGen C2749019, MONDO:0010431, OMIM 300804.
Retinitis pigmentosa 23 (RP23). Identifiers: Orphanet 791, MedGen C1419610, MONDO:0010320, OMIM 300424.
Simpson-Golabi-Behmel syndrome type 2. Identifiers: Orphanet 79022, MedGen C1846175, MONDO:0010265, OMIM 300209.
Joubert syndrome. Also called: CEREBELLOPARENCHYMAL DISORDER IV; JOUBERT-BOLTSHAUSER SYNDROME; Familial aplasia of the vermis. Identifiers: Orphanet 475, MedGen C5979921, MONDO:0018772.

Allele frequency attached by ClinVar (database versions not stated): gnomAD exomes 0.00001.
gnomAD v4.1: 14 of 1,208,977 alleles (0.0012%); highest among the groups gnomAD compares: Non-Finnish European, 0.0015%; no homozygotes.

Submissions (4):

Fulgent Genetics
Classification: Uncertain significance for Simpson-Golabi-Behmel syndrome type 2; Retinitis pigmentosa 23; Joubert syndrome 10; Orofaciodigital syndrome I. Last evaluated: 2024-01-24. Review status: criteria provided, single submitter. Criteria: ACMG Guidelines, 2015. Collection method: clinical testing. Allele origin: germline.

Women's Health and Genetics/Laboratory Corporation of America, LabCorp
Classification: Uncertain significance. Last evaluated: 2023-06-22. Review status: criteria provided, single submitter. Criteria: LabCorp Variant Classification Summary - May 2015. Collection method: clinical testing. Allele origin: germline.
Comment: Variant summary: OFD1 c.1100G>A (p.Arg367Gln) results in a conservative amino acid change in the encoded protein sequence. Five of five in-silico tools predict a benign effect of the variant on protein function. The variant allele was found at a frequency of 5.5e-06 in 183380 control chromosomes. The available data on variant occurrences in the general population are insufficient to allow any conclusion about variant significance. c.1100G>A has been reported in the literature in at least one individual affected with Orofaciodigital Syndrome I (example: Prattichizzo_2008). These data do not allow any conclusion about variant significance. To our knowledge, no experimental evidence demonstrating an impact on protein function has been reported. The following publication have been ascertained in the context of this evaluation (PMID: 18546297). Two submitters have cited clinical-significance assessments for this variant to ClinVar after 2014. All submitters classified the variant as uncertain significance. Based on the evidence outlined above, the variant was classified as uncertain significance.

Labcorp Genetics (formerly Invitae), Labcorp
Classification: Uncertain significance for Orofaciodigital syndrome I; Joubert syndrome. Last evaluated: 2023-05-19. Review status: criteria provided, single submitter. Criteria: Invitae Variant Classification Sherloc (09022015). Collection method: clinical testing. Allele origin: germline.
Comment: In summary, the available evidence is currently insufficient to determine the role of this variant in disease. Therefore, it has been classified as a Variant of Uncertain Significance. Advanced modeling of protein sequence and biophysical properties (such as structural, functional, and spatial information, amino acid conservation, physicochemical variation, residue mobility, and thermodynamic stability) performed at Invitae indicates that this missense variant is not expected to disrupt OFD1 protein function. ClinVar contains an entry for this variant (Variation ID: 41057). This missense change has been observed in individual(s) with oral-facial-digital syndrome and/or retinitis pigmentosa (PMID: 18546297; Invitae). This variant is present in population databases (rs312262864, gnomAD 0.001%). This sequence change replaces arginine, which is basic and polar, with glutamine, which is neutral and polar, at codon 367 of the OFD1 protein (p.Arg367Gln).

Mendelics
Classification: Uncertain significance for Orofaciodigital syndrome I. Last evaluated: 2019-05-28. Review status: criteria provided, single submitter. Criteria: Mendelics Assertion Criteria 2017. Collection method: clinical testing. Allele origin: unknown.

Literature cited by the submitters: PubMed 18546297 (cited by Women's Health and Genetics/Laboratory Corporation of America, LabCorp and Labcorp Genetics (formerly Invitae), Labcorp).